The following is an entry in ClinVar:

NM_020436.5(SALL4):c.1205G>A (p.Arg402His)

Gene: SALL4 (spalt like transcription factor 4; minus strand). Cytogenetic location: 20q13.2.
Variant type: single nucleotide variant.
Coding change: c.1205G>A on transcript NM_020436.5 (MANE Select); coding-DNA position 1205, G replaced by A.
Protein change: p.Arg402His; replaces arginine 402 with histidine.
Molecular consequence: missense variant. On other transcripts: intron variant (1).
Genome position (GRCh38, 1-based): chr20:51,791,278, C>T on the plus strand (G>A on the coding strand, the complement: SALL4 is on the minus strand). VCF-style: chr20-51791278-C-T. GRCh37 (hg19) VCF-style: chr20-50407817-C-T.
Other names: c.1150+55G>A (NM_001318031.2); short protein forms R402H.
Identifiers: ClinVar variation 1708823 (VCV001708823.6), dbSNP rs145735478, ClinGen allele CA9912326.

ClinVar aggregate classification (germline): Conflicting classifications of pathogenicity. Review status: criteria provided, conflicting classifications (1 of 4 stars). 3 submissions from 3 submitters: Uncertain significance (2); Likely benign (1). Last evaluated 2024-04-20.

Conditions:
Duane-radial ray syndrome (DRRS). Also called: DR SYNDROME; DUANE ANOMALY WITH RADIAL RAY ABNORMALITIES AND DEAFNESS; Duane-Radial Ray Syndrome/Okihiro Syndrome; Okihiro Syndrome; ACRORENOOCULAR SYNDROME; Duane-Radial Ray Syndrome (DRRS) / Okihiro Syndrome. Identifiers: Orphanet 93293, Orphanet 959, MedGen C1623209, MONDO:0011812, OMIM 607323. Disease mechanism: gain of function.
Oculootoradial syndrome (IVIC). Also called: RADIAL RAY DEFECTS, HEARING IMPAIRMENT, EXTERNAL OPHTHALMOPLEGIA, AND THROMBOCYTOPENIA; IVIC syndrome. Identifiers: Orphanet 2307, MedGen C1327918, MONDO:0007836, OMIM 147750.

Allele frequency attached by ClinVar (database versions not stated): TOPMed 0.00005; ESP Exome Variant Server 0.00008.
gnomAD v4.1: 16 of 1,613,930 alleles (0.00099%); highest among the groups gnomAD compares: African/African-American, 0.0093%; no homozygotes.

Submissions (3):

Fulgent Genetics
Classification: Uncertain significance for Oculootoradial syndrome; Duane-radial ray syndrome. Last evaluated: 2024-04-20. Review status: criteria provided, single submitter. Criteria: ACMG Guidelines, 2015. Collection method: clinical testing. Allele origin: germline.

GeneDx
Classification: Uncertain significance. Last evaluated: 2023-09-25. Review status: criteria provided, single submitter. Criteria: GeneDx Variant Classification Process June 2021. Collection method: clinical testing. Allele origin: germline. Affected: yes.
Comment: In silico analysis supports that this missense variant has a deleterious effect on protein structure/function; Has not been previously published as pathogenic or benign to our knowledge

Blueprint Genetics
Classification: Likely benign. Last evaluated: 2022-06-17. Review status: criteria provided, single submitter. Criteria: ACMG Guidelines, 2015. Collection method: clinical testing. Allele origin: germline.